The following is an entry in ClinVar:

ClinVar aggregate classification (germline): Uncertain significance. Review status: criteria provided, multiple submitters, no conflicts (2 of 4 stars). 2 submissions from 2 submitters: Uncertain significance (2). Last evaluated 2025-08-07.

Conditions:
Inborn genetic diseases. Identifiers: MedGen C0950123, MeSH D030342.

Submissions (2):

Ambry Genetics
Classification: Uncertain significance for Inborn genetic diseases. Last evaluated: 2025-08-07. Review status: criteria provided, single submitter. Criteria: Ambry Variant Classification Scheme 2023. Collection method: clinical testing. Allele origin: germline.

GeneDx
Classification: Uncertain significance. Last evaluated: 2025-05-07. Review status: criteria provided, single submitter. Criteria: GeneDx Variant Classification Process June 2021. Collection method: clinical testing. Allele origin: germline. Affected: yes.
Comment: Not observed at significant frequency in large population cohorts (gnomAD); In silico analysis suggests that this missense variant does not alter protein structure/function; Has not been previously published as pathogenic or benign to our knowledge

NM_003793.4(CTSF):c.89A>T (p.Gln30Leu)

Gene: CTSF (cathepsin F; minus strand). Cytogenetic location: 11q13.2.
Variant type: single nucleotide variant.
Coding change: c.89A>T on transcript NM_003793.4 (MANE Select); coding-DNA position 89, A replaced by T.
Protein change: p.Gln30Leu; replaces glutamine 30 with leucine.
Molecular consequence: missense variant.
Genome position (GRCh38, 1-based): chr11:66,568,398, T>A on the plus strand (A>T on the coding strand, the complement: CTSF is on the minus strand). VCF-style: chr11-66568398-T-A. GRCh37 (hg19) VCF-style: chr11-66335869-T-A.
Other names: short protein forms Q30L.
Identifiers: ClinVar variation 4235861 (VCV004235861.2).